The following is an entry in ClinVar:

NM_000538.4(RFXAP):c.59A>G (p.His20Arg)

Genes: RFXAP (regulatory factor X associated protein; plus strand), LOC130009573 (ATAC-STARR-seq lymphoblastoid silent region 5267; plus strand). Cytogenetic location: 13q13.3.
Variant type: single nucleotide variant.
Coding change: c.59A>G on transcript NM_000538.4 (MANE Select); coding-DNA position 59, A replaced by G.
Protein change: p.His20Arg; replaces histidine 20 with arginine.
Molecular consequence: missense variant.
Genome position (GRCh38, 1-based): chr13:36,819,416, A>G. VCF-style: chr13-36819416-A-G. GRCh37 (hg19) VCF-style: chr13-37393553-A-G.
Other names: short protein forms H20R.
Identifiers: ClinVar variation 659872 (VCV000659872.9), dbSNP rs775615242, ClinGen allele CA6950169.

ClinVar aggregate classification (germline): Uncertain significance (1 of 4 stars; one submission).

Conditions:
MHC class II deficiency. Also called: Bare lymphocyte syndrome 2; BLS, TYPE II. Identifiers: Orphanet 572, MedGen C5447452, MONDO:0008855.

Allele frequency attached by ClinVar (database versions not stated): ExAC below 0.00001; gnomAD exomes below 0.00001; TOPMed below 0.00001; gnomAD 0.00001.

Submission:

Labcorp Genetics (formerly Invitae), Labcorp
Classification: Uncertain significance for MHC class II deficiency. Last evaluated: 2018-12-22. Review status: criteria provided, single submitter. Criteria: Invitae Variant Classification Sherloc (09022015). Collection method: clinical testing. Allele origin: germline.
Comment: In summary, the available evidence is currently insufficient to determine the role of this variant in disease. Therefore, it has been classified as a Variant of Uncertain Significance. This sequence change replaces histidine with arginine at codon 20 of the RFXAP protein (p.His20Arg). The histidine residue is weakly conserved and there is a small physicochemical difference between histidine and arginine. The frequency data for this variant in the population databases is considered unreliable, as metrics indicate poor data quality at this position in the ExAC database. This variant has not been reported in the literature in individuals with RFXAP-related conditions. Algorithms developed to predict the effect of missense changes on protein structure and function output the following: SIFT: "Tolerated"; PolyPhen-2: "Benign"; Align-GVGD: "Class C0". The arginine amino acid residue is found in multiple mammalian species, suggesting that this missense change does not adversely affect protein function. These predictions have not been confirmed by published functional studies and their clinical significance is uncertain.